The following is an entry in ClinVar:

NM_001379081.2(FREM1):c.2718G>A (p.Glu906=)

Genes: FREM1 (FRAS1 related extracellular matrix 1; minus strand), LOC126860582 (P300/CBP strongly-dependent group 1 enhancer GRCh37_chr9:14812530-14813729; plus strand). Cytogenetic location: 9p22.3.
Variant type: single nucleotide variant.
Coding change: c.2718G>A on transcript NM_001379081.2 (MANE Select); coding-DNA position 2718, G replaced by A.
Protein change: p.Glu906=; no amino-acid change (glutamic acid 906 retained).
Molecular consequence: synonymous variant. On other transcripts: non-coding transcript variant (2).
Genome position (GRCh38, 1-based): chr9:14,812,987, C>T on the plus strand (G>A on the coding strand, the complement: FREM1 is on the minus strand). VCF-style: chr9-14812987-C-T. GRCh37 (hg19) VCF-style: chr9-14812985-C-T.
Other names: c.2718G>A, p.Glu906= (NM_144966.7).
Identifiers: ClinVar variation 2136411 (VCV002136411.5), dbSNP rs1275922775, ClinGen allele CA464024456.
Genomic context (GRCh38, chr9:14,812,987, plus strand): 5'-CAACTTCAAGTTATCGCTGTCCACATCAGTAGCAAAAATGTATTCAGAGGTGATGACCAC[C>T]TCTCCTCCCTCTGAGCAATTCATGACAGGCATGAGGTCAGCCTTTAAGACTGGTGGCTCA-3'
Protein context (NP_001366010.1, residues 896-916): MPVMNCSEGG[Glu906=]VVITSEYIFA

ClinVar aggregate classification (germline): Likely benign. Review status: criteria provided, multiple submitters, no conflicts (2 of 4 stars). 2 submissions from 2 submitters: Likely benign (2). Last evaluated 2026-07-01.

Allele frequency attached by ClinVar (database versions not stated): gnomAD exomes 0.00001; gnomAD 0.00005; TOPMed 0.00005.
gnomAD v4.1: 19 of 1,613,814 alleles (0.0012%); highest among the groups gnomAD compares: Admixed American, 0.032%; no homozygotes.

Submissions (2):

CeGaT Center for Human Genetics Tuebingen
Classification: Likely benign. Last evaluated: 2026-07-01. Review status: criteria provided, single submitter. Criteria: CeGaT Center For Human Genetics Tuebingen Variant Classification Criteria Version 2. Collection method: clinical testing. Allele origin: germline. Affected: yes. Observed: 1 variant allele.
Comment: FREM1: BP4, BP7

Labcorp Genetics (formerly Invitae), Labcorp
Classification: Likely benign. Last evaluated: 2025-10-23. Review status: criteria provided, single submitter. Criteria: Invitae Variant Classification Sherloc (09022015). Collection method: clinical testing. Allele origin: germline.